The following is an entry in ClinVar:

ClinVar aggregate classification (germline): Benign/Likely benign. Review status: criteria provided, multiple submitters, no conflicts (2 of 4 stars). 10 submissions from 8 submitters: Benign (7); Likely benign (2). 1 of the submissions does not count toward it. Last evaluated 2026-02-04.

Conditions:
Autoinflammation with arthritis and dyskeratosis (AIADK). Identifiers: MedGen C4479278, MONDO:0060457, OMIM 617388.
Corneal intraepithelial dyskeratosis-palmoplantar hyperkeratosis-laryngeal dyskeratosis syndrome. Also called: Palmoplantar carcinoma, multiple self-healing. Identifiers: Orphanet 352662, MedGen C3808876, MONDO:0014089, OMIM 615225.
Vitiligo-associated multiple autoimmune disease susceptibility 1 (VAMAS1). Also called: SYSTEMIC LUPUS ERYTHEMATOSUS, VITILIGO-RELATED. Identifiers: Orphanet 247871, MedGen C1847835, MONDO:0011684, OMIM 606579.
Respiratory papillomatosis, juvenile recurrent, congenital. Identifiers: MedGen C5394112, MONDO:0032925, OMIM 618803.

Allele frequency attached by ClinVar (database versions not stated): 1000 Genomes Project 0.19209; 1000 Genomes Project 30x 0.19441; TOPMed 0.31431; gnomAD 0.32683 and 0.33261; gnomAD exomes 0.36600 and 0.41500; ExAC 0.37495.
gnomAD v4.1: 653,580 of 1,610,836 alleles (41%); highest among the groups gnomAD compares: Non-Finnish European, 45%; 142,729 homozygotes.

Submissions (10):

Labcorp Genetics (formerly Invitae), Labcorp
Classification: Benign. Last evaluated: 2026-02-04. Review status: criteria provided, single submitter. Criteria: Invitae Variant Classification Sherloc (09022015). Collection method: clinical testing. Allele origin: germline.

Women's Health and Genetics/Laboratory Corporation of America, LabCorp
Classification: Likely benign. Last evaluated: 2026-01-21. Review status: criteria provided, single submitter. Criteria: LabCorp Variant Classification Summary - May 2015. Collection method: clinical testing. Allele origin: germline.

Blueprint Genetics
Classification: Likely benign. Last evaluated: 2024-11-28. Review status: criteria provided, single submitter. Criteria: ACMG Guidelines, 2015. Collection method: clinical testing. Allele origin: germline.

Unidad de Genómica Garrahan, Hospital de Pediatría Garrahan
Classification: Benign. Last evaluated: 2023-11-12. Review status: criteria provided, single submitter. Criteria: ACMG Guidelines, 2015. Collection method: clinical testing. Allele origin: germline. Affected: no. Observed: 59 variant alleles.
Comment: This variant is classified as Benign based on local population frequency. This variant was detected in 61% of patients studied by a panel of primary immunodeficiencies. Number of patients: 59. Only high quality variants are reported.

Mayo Clinic Laboratories, Mayo Clinic
Classification: Benign. Last evaluated: 2023-08-15. Review status: criteria provided, single submitter. Criteria: ACMG Guidelines, 2015. Collection method: clinical testing. Allele origin: germline. Observed: 268 variant alleles.
Comment: BA1, BS2, BP4

Genome-Nilou Lab
Classification: Benign for Respiratory papillomatosis, juvenile recurrent, congenital. Last evaluated: 2021-09-05. Review status: criteria provided, single submitter. Criteria: ACMG Guidelines, 2015. Collection method: clinical testing. Allele origin: germline. Affected: no.

Genome-Nilou Lab
Classification: Benign for Autoinflammation with arthritis and dyskeratosis. Last evaluated: 2021-09-05. Review status: criteria provided, single submitter. Criteria: ACMG Guidelines, 2015. Collection method: clinical testing. Allele origin: germline. Affected: no.

Genome-Nilou Lab
Classification: Benign for Corneal intraepithelial dyskeratosis-palmoplantar hyperkeratosis-laryngeal dyskeratosis syndrome. Last evaluated: 2021-09-05. Review status: criteria provided, single submitter. Criteria: ACMG Guidelines, 2015. Collection method: clinical testing. Allele origin: germline. Affected: no.

Breakthrough Genomics
Classification: Benign. Review status: criteria provided, single submitter. Criteria: ACMG Guidelines, 2015. Collection method: not provided. Allele origin: germline. Inheritance: Autosomal recessive inheritance. Affected: yes.

OMIM
Classification: risk factor for VITILIGO-ASSOCIATED MULTIPLE AUTOIMMUNE DISEASE SUSCEPTIBILITY 1. Last evaluated: 2007-03-22. Review status: no assertion criteria provided. Collection method: literature only. Allele origin: germline. Not counted in ClinVar's aggregate classification.

Literature cited by the submitters: PubMed 17377159 (cited by Mayo Clinic Laboratories, Mayo Clinic and OMIM); PubMed 18946481 (cited by Mayo Clinic Laboratories, Mayo Clinic); PubMed 20152874 (cited by Mayo Clinic Laboratories, Mayo Clinic).

NM_033004.4(NLRP1):c.464T>A (p.Leu155His)

Gene: NLRP1 (NLR family pyrin domain containing 1; minus strand). Cytogenetic location: 17p13.2.
Variant type: single nucleotide variant.
Coding change: c.464T>A on transcript NM_033004.4 (MANE Select); coding-DNA position 464, T replaced by A.
Protein change: p.Leu155His; replaces leucine 155 with histidine.
Molecular consequence: missense variant.
Genome position (GRCh38, 1-based): chr17:5,582,047, A>T on the plus strand (T>A on the coding strand, the complement: NLRP1 is on the minus strand). VCF-style: chr17-5582047-A-T. GRCh37 (hg19) VCF-style: chr17-5485367-A-T.
Other names: c.464T>A, p.Leu155His (NM_001033053.3, NM_014922.5, NM_033006.4 and 1 more transcripts); short protein forms L155H.
Identifiers: ClinVar variation 4163 (VCV000004163.18), dbSNP rs12150220, ClinGen allele CA018555.
Genomic context (GRCh38, chr17:5,582,047, plus strand): 5'-TTGGGTGACTCCTGGCTTGGAGACTCATGGTCTGGGGAGCTTGGAAGAGCTTGGTAGAGG[A>T]GTGAGGCAGAGATTTCTGGGGGGAATGAAAAGAAAAATAACCATTTACTGAACATTTATT-3'
Protein context (NP_127497.1, residues 145-165): GRRWREISAS[Leu155His]LYQALPSSPD